The following is an entry in ClinVar:

ClinVar aggregate classification (germline): Conflicting classifications of pathogenicity. Review status: criteria provided, conflicting classifications (1 of 4 stars). 3 submissions from 3 submitters: Likely pathogenic (2); Uncertain significance (1). Last evaluated 2024-08-31.

Conditions:
Malignant hyperthermia, susceptibility to, 1 (MHS1). Also called: Anesthesia related hyperthermia; Malignant hyperpyrexia; Fulminating hyperpyrexia; Pharmacogenic myopathy; RYR1-Related Malignant Hyperthermia Susceptibility; Malignant hyperthermia suceptibility 1. Identifiers: Orphanet 423, MedGen C2930980, MONDO:0007783, OMIM 145600.
Malignant hyperthermia of anesthesia. Also called: Anesthesic-triggered malignant hyperthermia. Identifiers: Orphanet 423, MedGen C0024591, MONDO:0018493, HP:0034733.

Allele frequency attached by ClinVar (database versions not stated): gnomAD exomes below 0.00001; ExAC 0.00001.
gnomAD v4.1: 20 of 1,612,976 alleles (0.0012%); highest among the groups gnomAD compares: Non-Finnish European, 0.0017%; no homozygotes.

Submissions (3):

All of Us Research Program, National Institutes of Health
Classification: Uncertain significance for Malignant hyperthermia, susceptibility to, 1. Last evaluated: 2024-08-31. Review status: criteria provided, single submitter. Criteria: ACMG Guidelines, 2015. Collection method: clinical testing. Allele origin: germline. Inheritance: Autosomal dominant inheritance. Observed: 6 variant alleles, 6 heterozygotes.
Comment: This variant changes 1 nucleotide in exon 24 of the RYR1 gene, creating a premature translation stop signal. This variant is expected to result in an absent or non-functional protein product. To our knowledge, this variant has not been reported in individuals affected with malignant hyperthermia susceptibility in the literature, although it is associated with other phenotype(s) (ClinVar variation ID: 590510). This variant has been identified in 1/247304 chromosomes in the general population by the Genome Aggregation Database (gnomAD). Loss of RYR1 function due to truncation variants is not an established disease mechanism for autosomal dominant malignant hyperthermia susceptibility. Due to insufficient evidence, this variant is classified as a Variant of Uncertain Significance for malignant hyperthermia susceptibility.

This study involves interpretation of variants in research participants for the purpose of population health screening. Participant phenotype was not available at the time of variant classification. Additional details can be found in publication PMID: 35346344, PMCID: PMC8962531

Women's Health and Genetics/Laboratory Corporation of America, LabCorp
Classification: Likely pathogenic for Malignant hyperthermia of anesthesia. Last evaluated: 2022-06-08. Review status: criteria provided, single submitter. Criteria: LabCorp Variant Classification Summary - May 2015. Collection method: clinical testing. Allele origin: germline.
Comment: Variant summary: RYR1 c.3046C>T (p.Arg1016X) results in a premature termination codon, predicted to cause a truncation of the encoded protein or absence of the protein due to nonsense mediated decay, which are commonly known mechanisms for disease. Truncations downstream of this position have been classified as pathogenic by our laboratory. The variant allele was found at a frequency of 4e-06 in 247304 control chromosomes (gnomAD). To our knowledge, no occurrence of c.3046C>T in individuals affected with RYR1-Related Disorders and no experimental evidence demonstrating its impact on protein function have been reported. No clinical diagnostic laboratories have submitted clinical-significance assessments for this variant to ClinVar after 2014. Based on the evidence outlined above, the variant was classified as likely pathogenic.

PreventionGenetics, part of Exact Sciences
Classification: Likely pathogenic. Last evaluated: 2013-10-21. Review status: criteria provided, single submitter. Criteria: ACMG Guidelines, 2015. Collection method: clinical testing. Allele origin: germline.

NM_000540.3(RYR1):c.3046C>T (p.Arg1016Ter)

Gene: RYR1 (ryanodine receptor 1; plus strand). Cytogenetic location: 19q13.2.
Variant type: single nucleotide variant.
Coding change: c.3046C>T on transcript NM_000540.3 (MANE Select); coding-DNA position 3046, C replaced by T.
Protein change: p.Arg1016Ter; replaces arginine 1016 with a stop codon.
Molecular consequence: nonsense.
Genome position (GRCh38, 1-based): chr19:38,466,266, C>T. VCF-style: chr19-38466266-C-T. GRCh37 (hg19) VCF-style: chr19-38956906-C-T.
Other names: c.3046C>T, p.Arg1016Ter (NM_001042723.2); short protein forms R1016*.
Identifiers: ClinVar variation 590510 (VCV000590510.4), dbSNP rs759085500, ClinGen allele CA064338.